The following is an entry in ClinVar:

NM_018943.3(TUBA8):c.132C>G (p.Asn44Lys)

Gene: TUBA8 (tubulin alpha 8; plus strand). Cytogenetic location: 22q11.21.
Variant type: single nucleotide variant.
Coding change: c.132C>G on transcript NM_018943.3 (MANE Select); coding-DNA position 132, C replaced by G.
Protein change: p.Asn44Lys; replaces asparagine 44 with lysine.
Molecular consequence: missense variant. On other transcripts: 5 prime UTR variant (1).
Genome position (GRCh38, 1-based): chr22:18,121,607, C>G. VCF-style: chr22-18121607-C-G. GRCh37 (hg19) VCF-style: chr22-18604374-C-G.
Other names: c.-67C>G (NM_001193414.2); short protein forms N44K.
Identifiers: ClinVar variation 448844 (VCV000448844.9), dbSNP rs760983756, ClinGen allele CA10093583.
Genomic context (GRCh38, chr22:18,121,607, plus strand): 5'-CTGCCTGGAACACGGCATCCAGGCAGACGGCACTTTTGATGCTCAAGCTAGCAAGATCAA[C>G]GATGATGACTCCTTCACCACCTTTTTCAGCGAGACTGGCAATGGGAAGCATGTGCCCCGG-3'
Protein context (NP_061816.1, residues 34-54): GTFDAQASKI[Asn44Lys]DDDSFTTFFS

ClinVar aggregate classification (germline): Uncertain significance. Review status: criteria provided, multiple submitters, no conflicts (2 of 4 stars). 2 submissions from 2 submitters: Uncertain significance (2). Last evaluated 2025-04-13.

Allele frequency attached by ClinVar (database versions not stated): TOPMed 0.00002.
gnomAD v4.1: 16 of 1,614,222 alleles (0.00099%); highest among the groups gnomAD compares: Admixed American, 0.027%; no homozygotes.

Submissions (2):

Labcorp Genetics (formerly Invitae), Labcorp
Classification: Uncertain significance. Last evaluated: 2025-04-13. Review status: criteria provided, single submitter. Criteria: Invitae Variant Classification Sherloc (09022015). Collection method: clinical testing. Allele origin: germline.
Comment: This sequence change replaces asparagine, which is neutral and polar, with lysine, which is basic and polar, at codon 44 of the TUBA8 protein (p.Asn44Lys). This variant is present in population databases (rs760983756, gnomAD 0.04%). This variant has not been reported in the literature in individuals affected with TUBA8-related conditions. ClinVar contains an entry for this variant (Variation ID: 448844). An algorithm developed to predict the effect of missense changes on protein structure and function (PolyPhen-2) suggests that this variant is likely to be tolerated. In summary, the available evidence is currently insufficient to determine the role of this variant in disease. Therefore, it has been classified as a Variant of Uncertain Significance.

Athena Diagnostics
Classification: Uncertain significance. Last evaluated: 2024-06-05. Review status: criteria provided, single submitter. Criteria: Athena Diagnostics Criteria. Collection method: clinical testing. Allele origin: unknown.
Comment: Available data are insufficient to determine the clinical significance of the variant at this time. The frequency of this variant in the general population is uninformative in assessment of its pathogenicity. Polyphen and MutationTaster predict this amino acid change may be benign.